The following is an entry in ClinVar:

NM_013275.6(ANKRD11):c.2039C>T (p.Thr680Ile)

Gene: ANKRD11 (ankyrin repeat domain 11; minus strand). Cytogenetic location: 16q24.3.
Variant type: single nucleotide variant.
Coding change: c.2039C>T on transcript NM_013275.6 (MANE Select); coding-DNA position 2039, C replaced by T.
Protein change: p.Thr680Ile; replaces threonine 680 with isoleucine.
Molecular consequence: missense variant.
Genome position (GRCh38, 1-based): chr16:89,284,503, G>A on the plus strand (C>T on the coding strand, the complement: ANKRD11 is on the minus strand). VCF-style: chr16-89284503-G-A. GRCh37 (hg19) VCF-style: chr16-89350911-G-A.
Other names: c.2039C>T, p.Thr680Ile (NM_001256182.2, NM_001256183.2); short protein forms T680I.
Identifiers: ClinVar variation 4709196 (VCV004709196.1).

ClinVar aggregate classification (germline): Uncertain significance (1 of 4 stars; one submission).

Conditions:
KBG syndrome (KBGS). Also called: ANKRD11-Related KBG Syndrome. Identifiers: Orphanet 2332, MedGen C0220687, MONDO:0007846, OMIM 148050.

gnomAD v4.1: 7 of 1,613,852 alleles (0.00043%); highest among the groups gnomAD compares: Middle Eastern, 0.016%; no homozygotes.

Submission:

Labcorp Genetics (formerly Invitae), Labcorp
Classification: Uncertain significance for KBG syndrome. Last evaluated: 2025-04-22. Review status: criteria provided, single submitter. Criteria: Invitae Variant Classification Sherloc (09022015). Collection method: clinical testing. Allele origin: germline.
Comment: This sequence change replaces threonine, which is neutral and polar, with isoleucine, which is neutral and non-polar, at codon 680 of the ANKRD11 protein (p.Thr680Ile). This variant is present in population databases (no rsID available, gnomAD 0.002%). This variant has not been reported in the literature in individuals affected with ANKRD11-related conditions. Invitae Evidence Modeling of protein sequence and biophysical properties (such as structural, functional, and spatial information, amino acid conservation, physicochemical variation, residue mobility, and thermodynamic stability) indicates that this missense variant is not expected to disrupt ANKRD11 protein function with a negative predictive value of 95%. In summary, the available evidence is currently insufficient to determine the role of this variant in disease. Therefore, it has been classified as a Variant of Uncertain Significance.